The following is an entry in ClinVar:

NM_000441.2(SLC26A4):c.1105A>G (p.Lys369Glu)

Gene: SLC26A4 (solute carrier family 26 member 4; plus strand). Cytogenetic location: 7q22.3.
Variant type: single nucleotide variant.
Coding change: c.1105A>G on transcript NM_000441.2 (MANE Select); coding-DNA position 1105, A replaced by G.
Protein change: p.Lys369Glu; replaces lysine 369 with glutamic acid.
Molecular consequence: missense variant.
Genome position (GRCh38, 1-based): chr7:107,689,156, A>G. VCF-style: chr7-107689156-A-G. GRCh37 (hg19) VCF-style: chr7-107329601-A-G.
Other names: short protein forms K369E.
Identifiers: ClinVar variation 4822 (VCV000004822.7), dbSNP rs121908361, ClinGen allele CA253305.

ClinVar aggregate classification (germline): Pathogenic; Affects. Review status: no assertion criteria provided (0 of 4 stars). 2 submissions from 2 submitters: Pathogenic (1). Last evaluated 2019-08-20.

Conditions:
Autosomal recessive nonsyndromic hearing loss 4 (DFNB4). Also called: DEAFNESS, AUTOSOMAL RECESSIVE 4, WITH ENLARGED VESTIBULAR AQUEDUCT, DIGENIC; Enlarged vestibular aqueduct, digenic; Deafness, autosomal recessive 4, with enlarged vestibular aqueduct; FOXI1-Related Pendred Syndrome; KCNJ10-Related Pendred Syndrome; NEUROSENSORY NONSYNDROMIC RECESSIVE DEAFNESS 4. Identifiers: Orphanet 90636, MedGen C3538946, MONDO:0010933, OMIM 600791.

Submissions (2):

National Institute of Sensory Organs, National Hospital Organization Tokyo Medical Center
Classification: Affects for Autosomal recessive nonsyndromic hearing loss 4. Last evaluated: 2019-08-20. Review status: no assertion criteria provided. Collection method: clinical testing, in vitro. Allele origin: inherited, germline. Inheritance: Autosomal recessive inheritance. Affected: yes. Functional consequence: loss_of_function_variant.
Comment: in vitro experiment

OMIM
Classification: Pathogenic for DEAFNESS, AUTOSOMAL RECESSIVE 4, WITH ENLARGED VESTIBULAR AQUEDUCT. Last evaluated: 1999-02-01. Review status: no assertion criteria provided. Collection method: literature only. Allele origin: germline.

Literature cited by the submitters: PubMed 10190331 (cited by National Institute of Sensory Organs, National Hospital Organization Tokyo Medical Center and OMIM); PubMed 20826203 (cited by National Institute of Sensory Organs, National Hospital Organization Tokyo Medical Center); PubMed 24599119 (cited by National Institute of Sensory Organs, National Hospital Organization Tokyo Medical Center); PubMed 25572613 (cited by National Institute of Sensory Organs, National Hospital Organization Tokyo Medical Center); PubMed 27771369 (cited by National Institute of Sensory Organs, National Hospital Organization Tokyo Medical Center); PubMed 31599023 (cited by National Institute of Sensory Organs, National Hospital Organization Tokyo Medical Center).